The following is an entry in ClinVar:

NM_001081.4(CUBN):c.10105A>G (p.Ser3369Gly)

Gene: CUBN (cubilin; minus strand). Cytogenetic location: 10p13.
Variant type: single nucleotide variant.
Coding change: c.10105A>G on transcript NM_001081.4 (MANE Select); coding-DNA position 10105, A replaced by G.
Protein change: p.Ser3369Gly; replaces serine 3369 with glycine.
Molecular consequence: missense variant.
Genome position (GRCh38, 1-based): chr10:16,836,310, T>C on the plus strand (A>G on the coding strand, the complement: CUBN is on the minus strand). VCF-style: chr10-16836310-T-C. GRCh37 (hg19) VCF-style: chr10-16878309-T-C.
Other names: p.Ser3369Gly; short protein forms S3369G.
Identifiers: ClinVar variation 1023714 (VCV001023714.9), dbSNP rs145023719, ClinGen allele CA5422477.

ClinVar aggregate classification (germline): Uncertain significance. Review status: criteria provided, multiple submitters, no conflicts (2 of 4 stars). 4 submissions from 4 submitters: Uncertain significance (4). Last evaluated 2023-09-13.

Conditions:
Proteinuria, chronic benign. Identifiers: MedGen C5394384, MONDO:0030042, OMIM 618884.
Imerslund-Grasbeck syndrome type 1 (IGS1). Also called: Megaloblastic anemia 1, Finnish type; Imerslund-Gräsbeck syndrome 1; MEGALOBLASTIC ANEMIA, 1. Identifiers: MedGen C4016819, MONDO:0100156, OMIM 261100.
Imerslund-Grasbeck syndrome. Also called: Imerslund-Gräsbeck syndrome; ENTEROCYTE COBALAMIN MALABSORPTION; ENTEROCYTE INTRINSIC FACTOR RECEPTOR, DEFECT OF; PERNICIOUS ANEMIA, JUVENILE, DUE TO SELECTIVE INTESTINAL MALABSORPTION OF VITAMIN B12, WITH PROTEINURIA; Megaloblastic anemia due to inborn errors of metabolism. Identifiers: Orphanet 35858, MedGen C4551825, MONDO:0009853.

Allele frequency attached by ClinVar (database versions not stated): gnomAD exomes 0.00005 and 0.00014; ESP Exome Variant Server 0.00038; ExAC 0.00012; 1000 Genomes Project 30x 0.00062; gnomAD 0.00064 and 0.00070; TOPMed 0.00065; 1000 Genomes Project 0.00080.
gnomAD v4.1: 175 of 1,613,444 alleles (0.011%); highest among the groups gnomAD compares: African/African-American, 0.22%; no homozygotes.

Submissions (4):

Labcorp Genetics (formerly Invitae), Labcorp
Classification: Uncertain significance for Imerslund-Grasbeck syndrome. Last evaluated: 2023-09-13. Review status: criteria provided, single submitter. Criteria: Invitae Variant Classification Sherloc (09022015). Collection method: clinical testing. Allele origin: germline.
Comment: This sequence change replaces serine, which is neutral and polar, with glycine, which is neutral and non-polar, at codon 3369 of the CUBN protein (p.Ser3369Gly). In summary, the available evidence is currently insufficient to determine the role of this variant in disease. Therefore, it has been classified as a Variant of Uncertain Significance. Advanced modeling of protein sequence and biophysical properties (such as structural, functional, and spatial information, amino acid conservation, physicochemical variation, residue mobility, and thermodynamic stability) performed at Invitae indicates that this missense variant is not expected to disrupt CUBN protein function. ClinVar contains an entry for this variant (Variation ID: 1023714). This variant has not been reported in the literature in individuals affected with CUBN-related conditions. This variant is present in population databases (rs145023719, gnomAD 0.2%).

Mayo Clinic Laboratories, Mayo Clinic
Classification: Uncertain significance. Last evaluated: 2023-06-21. Review status: criteria provided, single submitter. Criteria: ACMG Guidelines, 2015. Collection method: clinical testing. Allele origin: germline. Observed: 1 variant allele.
Comment: BP4

GeneDx
Classification: Uncertain significance. Last evaluated: 2022-12-12. Review status: criteria provided, single submitter. Criteria: GeneDx Variant Classification Process June 2021. Collection method: clinical testing. Allele origin: germline. Affected: yes.
Comment: In silico analysis supports that this missense variant does not alter protein structure/function; Has not been previously published as pathogenic or benign to our knowledge

Fulgent Genetics
Classification: Uncertain significance for Imerslund-Grasbeck syndrome type 1; Proteinuria, chronic benign. Last evaluated: 2022-01-04. Review status: criteria provided, single submitter. Criteria: ACMG Guidelines, 2015. Collection method: clinical testing. Allele origin: unknown.